The following is an entry in ClinVar:

ClinVar aggregate classification (germline): Likely pathogenic (1 of 4 stars; one submission).

Conditions:
X-linked Alport syndrome (ATS1). Also called: NEPHROPATHY AND DEAFNESS, X-LINKED; COL4A5-Related Nephropathy. Identifiers: Orphanet 63, Orphanet 88917, MedGen C4746986, MONDO:0010520, OMIM 301050.

Submission:

Myriad Genetics, Inc.
Classification: Likely pathogenic for X-linked Alport syndrome. Last evaluated: 2019-07-11. Review status: criteria provided, single submitter. Criteria: Myriad Women's Health Autosomal Recessive and X-Linked Classification Criteria (2019). Collection method: clinical testing. Allele origin: unknown.
Comment: NM_000495.4(COL4A5):c.1198G>T(G400*) is expected to be pathogenic in the context of X-linked Alport syndrome. This variant is predicted to lead to an abnormal or absent protein product due to the creation of a premature termination codon in COL4A5, a gene where loss-of-function variants are known to be pathogenic. Please note: this variant was assessed in the context of healthy population screening.

NM_033380.3(COL4A5):c.1198G>T (p.Gly400Ter)

Gene: COL4A5 (collagen type IV alpha 5 chain; plus strand). Cytogenetic location: Xq22.3.
Variant type: single nucleotide variant.
Coding change: c.1198G>T on transcript NM_033380.3 (MANE Select); coding-DNA position 1198, G replaced by T.
Protein change: p.Gly400Ter; replaces glycine 400 with a stop codon.
Molecular consequence: nonsense.
Genome position (GRCh38, 1-based): chrX:108,591,090, G>T. VCF-style: chrX-108591090-G-T. GRCh37 (hg19) VCF-style: chrX-107834320-G-T.
Other names: c.1198G>T, p.Gly400Ter (NM_000495.5); short protein forms G400*.
Identifiers: ClinVar variation 983613 (VCV000983613.3), dbSNP rs2066424636, ClinGen allele CA413932251.